The following is an entry in ClinVar:

NM_003227.4(TFR2):c.2136+1G>C

Genes: TFR2 (transferrin receptor 2; minus strand), LOC113687175 (Sharpr-MPRA regulatory region 4647; plus strand). Cytogenetic location: 7q22.1.
Variant type: single nucleotide variant.
Coding change: c.2136+1G>C on transcript NM_003227.4 (MANE Select); the canonical splice donor site of the intron after coding-DNA position 2136, G replaced by C.
Molecular consequence: splice donor variant.
Genome position (GRCh38, 1-based): chr7:100,626,762, C>G on the plus strand (G>C on the coding strand, the complement: TFR2 is on the minus strand). VCF-style: chr7-100626762-C-G. GRCh37 (hg19) VCF-style: chr7-100224385-C-G.
Other names: c.1623+1G>C (NM_001206855.3).
Identifiers: ClinVar variation 2810935 (VCV002810935.3), dbSNP rs781427471, ClinGen allele CA368522609.

ClinVar aggregate classification (germline): Pathogenic (1 of 4 stars; one submission).

Conditions:
Hereditary hemochromatosis (HFE). Identifiers: MedGen C0392514, MONDO:0006507. Disease mechanism: loss of function.

Submission:

Labcorp Genetics (formerly Invitae), Labcorp
Classification: Pathogenic for Hereditary hemochromatosis. Last evaluated: 2022-10-31. Review status: criteria provided, single submitter. Criteria: Invitae Variant Classification Sherloc (09022015). Collection method: clinical testing. Allele origin: germline.
Comment: This sequence change affects a donor splice site in intron 17 of the TFR2 gene. While this variant is not anticipated to result in nonsense mediated decay, it likely alters RNA splicing and results in a disrupted protein product. This variant is not present in population databases (gnomAD no frequency). This variant has not been reported in the literature in individuals affected with TFR2-related conditions. Variants that disrupt the consensus splice site are a relatively common cause of aberrant splicing (PMID: 17576681, 9536098). Algorithms developed to predict the effect of sequence changes on RNA splicing suggest that this variant may disrupt the consensus splice site. This variant disrupts a region of the TFR2 protein in which other variant(s) (p.Trp781*) have been determined to be pathogenic (PMID: 23600741, 26029709). This suggests that this is a clinically significant region of the protein, and that variants that disrupt it are likely to be disease-causing. For these reasons, this variant has been classified as Pathogenic.

Literature cited by the submitters: PubMed 17576681; PubMed 9536098; PubMed 23600741; PubMed 26029709.